The following is an entry in ClinVar:

ClinVar aggregate classification (germline): Likely pathogenic. Review status: criteria provided, single submitter (1 of 4 stars). 2 submissions from 2 submitters: Likely pathogenic (1). 1 of the submissions does not count toward it. Last evaluated 2022-02-02.

Conditions:
Immunodeficiency, common variable, 12 (CVID12). Also called: IMMUNODEFICIENCY, COMMON VARIABLE, 12, WITH AUTOIMMUNITY; NFKB1 DEFICIENCY. Identifiers: Orphanet 1572, Orphanet 696874, MedGen C4225277, MONDO:0014697, OMIM 616576.

Submissions (2):

Victorian Clinical Genetics Services, Murdoch Childrens Research Institute
Classification: Likely pathogenic for Immunodeficiency, common variable, 12. Last evaluated: 2022-02-02. Review status: criteria provided, single submitter. Criteria: ACMG Guidelines, 2015. Collection method: clinical testing. Allele origin: germline. Inheritance: Autosomal dominant inheritance.
Comment: Based on the classification scheme VCGS_Germline_v1.3.4, this variant is classified as Likely pathogenic. Following criteria are met: 0102 - Loss of function is a known mechanism of disease in this gene and is associated with common variable immunodeficiency 12 (MIM# 616576). (I) 0107 - This gene is associated with autosomal dominant disease. (I) 0112 - The condition associated with this gene has incomplete penetrance. Penetrance is estimated to be 60%, with some carriers appearing asymptomatic (PMID: 29477724). (I) 0115 - Variants in this gene are known to have variable expressivity (OMIM). 0210 - Splice site variant proven to affect splicing of the transcript with a known effect on protein sequence. This variant has been shown to result in an in-frame deletion of exon 8 (p.(Asp191_Lys244delinsGlu)). Both EBV cell lines transformed with patient lymphocytes and HEK293T cells transfected with the mutant construct demonstrated weak expression of the precursor mutant protein (p105delEx8) and none of the processed p50delEx8, suggesting that the mutant protein is degraded and resulting in p50 haploinsufficiency (PMID: 26279205). (SP) 0251 - This variant is heterozygous. (I) 0301 - Variant is absent from gnomAD (both v2 and v3). (SP) 0505 - Abnormal splicing is predicted by in silico tools and affected nucleotide is highly conserved. (SP) 0705 - No comparable non-canonical splice variants have previous evidence for pathogenicity. (I) 0803 - This variant has limited previous evidence of pathogenicity in an unrelated individual. It has been reported as pathogenic in LOVD with no supporting information. In addition, this variant has been shown to segregate in at least ten affected individuals within the family of this proband; however five individuals presenting with hypogammaglobulinaemia did not have this variant (PMID: 26279205). Lastly, a substitution on the adjacent nucleotide, c.730+5G>A, resulting in the same protein consequence as our variant, c.730+4A>G, has recently been reported in one individual with pyoderma gangrenosum (PMID: 34447408). (SP) 1208 - Inheritance information for this variant is not currently available in this individual. (I) Legend: (SP) - Supporting pathogenic, (I) - Information, (SB) - Supporting benign

OMIM
Classification: Pathogenic for IMMUNODEFICIENCY, COMMON VARIABLE, 12, WITH AUTOIMMUNITY. Last evaluated: 2015-09-03. Review status: no assertion criteria provided. Collection method: literature only. Allele origin: germline. Not counted in ClinVar's aggregate classification.

Literature cited by the submitters: PubMed 26279205 (cited by Victorian Clinical Genetics Services, Murdoch Childrens Research Institute and OMIM); PubMed 29477724 (cited by Victorian Clinical Genetics Services, Murdoch Childrens Research Institute); PubMed 34447408 (cited by Victorian Clinical Genetics Services, Murdoch Childrens Research Institute); PubMed 11583829 (cited by OMIM); PubMed 16639407 (cited by OMIM).

NM_003998.4(NFKB1):c.730+4A>G

Gene: NFKB1 (nuclear factor kappa B subunit 1; plus strand). Cytogenetic location: 4q24.
Variant type: single nucleotide variant.
Coding change: c.730+4A>G on transcript NM_003998.4 (MANE Select); 4 bases into the intron after coding-DNA position 730, A replaced by G.
Molecular consequence: intron variant.
Genome position (GRCh38, 1-based): chr4:102,579,043, A>G. VCF-style: chr4-102579043-A-G. GRCh37 (hg19) VCF-style: chr4-103500200-A-G.
Other names: IVS8DS, A-G, +4; c.730+4A>G (LRG_1316t1); c.727+4A>G (NM_001165412.2, NM_001319226.2).
Identifiers: ClinVar variation 210056 (VCV000210056.3), dbSNP rs869320688, ClinGen allele CA358854.
Genomic context (GRCh38, chr4:102,579,043, plus strand): 5'-CTGGCAGCTTCACAAGGCGCCTGGAACCCGTGGTATCAGACGCCATCTATGACAGTAGTG[A>G]GTACTTCACTTCCAACAGGGGGCACACCAAGAATAGACTTCCAGCCCTGCCCTGCCATTT-3'